The following is an entry in ClinVar:

NM_001999.4(FBN2):c.1111G>A (p.Val371Met)

Gene: FBN2 (fibrillin 2; minus strand). Cytogenetic location: 5q23.3.
Variant type: single nucleotide variant.
Coding change: c.1111G>A on transcript NM_001999.4 (MANE Select); coding-DNA position 1111, G replaced by A.
Protein change: p.Val371Met; replaces valine 371 with methionine.
Molecular consequence: missense variant.
Genome position (GRCh38, 1-based): chr5:128,395,242, C>T on the plus strand (G>A on the coding strand, the complement: FBN2 is on the minus strand). VCF-style: chr5-128395242-C-T. GRCh37 (hg19) VCF-style: chr5-127730935-C-T.
Other names: c.1111G>A (NM_001999.3); short protein forms V371M.
Identifiers: ClinVar variation 4708749 (VCV004708749.2).

ClinVar aggregate classification (germline): Uncertain significance. Review status: criteria provided, multiple submitters, no conflicts (2 of 4 stars). 2 submissions from 2 submitters: Uncertain significance (2). Last evaluated 2026-02-02.

Conditions:
Congenital contractural arachnodactyly (CCA). Also called: BEALS SYNDROME; Beals-Hecht syndrome; Arthrogryposis, distal, type 9. Identifiers: Orphanet 115, MedGen C0220668, MONDO:0007363, OMIM 121050.
Familial thoracic aortic aneurysm and aortic dissection (TAAD). Also called: Thoracic aortic aneurysms and dissections. Identifiers: Orphanet 91387, MedGen C4707243, MONDO:0019625.

gnomAD v4.1: 2 of 1,614,004 alleles (0.00012%); highest among the groups gnomAD compares: African/African-American, 0.0027%; no homozygotes.

Submissions (2):

Labcorp Genetics (formerly Invitae), Labcorp
Classification: Uncertain significance for Congenital contractural arachnodactyly. Last evaluated: 2026-02-02. Review status: criteria provided, single submitter. Criteria: Invitae Variant Classification Sherloc (09022015). Collection method: clinical testing. Allele origin: germline.
Comment: This sequence change replaces valine, which is neutral and non-polar, with methionine, which is neutral and non-polar, at codon 371 of the FBN2 protein (p.Val371Met). This variant is not present in population databases (gnomAD no frequency). This variant has not been reported in the literature in individuals affected with FBN2-related conditions. Invitae Evidence Modeling of protein sequence and biophysical properties (such as structural, functional, and spatial information, amino acid conservation, physicochemical variation, residue mobility, and thermodynamic stability) indicates that this missense variant is not expected to disrupt FBN2 protein function with a negative predictive value of 80%. In summary, the available evidence is currently insufficient to determine the role of this variant in disease. Therefore, it has been classified as a Variant of Uncertain Significance.

Ambry Genetics
Classification: Uncertain significance for Familial thoracic aortic aneurysm and aortic dissection. Last evaluated: 2026-01-17. Review status: criteria provided, single submitter. Criteria: Ambry Variant Classification Scheme 2023. Collection method: clinical testing. Allele origin: germline.
Comment: The p.V371M variant (also known as c.1111G>A), located in coding exon 9 of the FBN2 gene, results from a G to A substitution at nucleotide position 1111. The valine at codon 371 is replaced by methionine, an amino acid with highly similar properties. This amino acid position is conserved. In addition, the in silico prediction for this alteration is inconclusive. Based on the available evidence, the clinical significance of this variant remains unclear.